The following is an entry in ClinVar:

NM_001482.3(GATM):c.232G>C (p.Val78Leu)

Gene: GATM (glycine amidinotransferase; minus strand). Cytogenetic location: 15q21.1.
Variant type: single nucleotide variant.
Coding change: c.232G>C on transcript NM_001482.3 (MANE Select); coding-DNA position 232, G replaced by C.
Protein change: p.Val78Leu; replaces valine 78 with leucine.
Molecular consequence: missense variant. On other transcripts: 5 prime UTR variant (1).
Genome position (GRCh38, 1-based): chr15:45,376,657, C>G on the plus strand (G>C on the coding strand, the complement: GATM is on the minus strand). VCF-style: chr15-45376657-C-G. GRCh37 (hg19) VCF-style: chr15-45668855-C-G.
Other names: c.-156G>C (NM_001321015.2); short protein forms V78L.
Identifiers: ClinVar variation 2082161 (VCV002082161.5), dbSNP rs1333483024, ClinGen allele CA392265106.

ClinVar aggregate classification (germline): Uncertain significance. Review status: criteria provided, multiple submitters, no conflicts (2 of 4 stars). 2 submissions from 2 submitters: Uncertain significance (2). Last evaluated 2025-09-27.

Conditions:
Arginine:glycine amidinotransferase deficiency (CCDS3). Also called: Cerebral creatine deficiency syndrome 3; AGAT deficiency; L-Arginine:Glycine Amidinotransferase (AGAT) Deficiency; L-Arginine:Glycine Amidinotransferase Deficiency; Creatine deficiency syndrome due to AGAT deficiency; GATM deficiency. Identifiers: Orphanet 35704, MedGen C2675179, MONDO:0012996, OMIM 612718.
Fanconi renotubular syndrome 1. Also called: LUDER-SHELDON SYNDROME; Toni-Debre-Fanconi syndrome; Neonatal De Toni-Debre-Fanconi syndrome; De Toni-Fanconi syndrome; FRTS1. Identifiers: MedGen C4551503, MONDO:0024525, OMIM 134600.

Allele frequency attached by ClinVar (database versions not stated): gnomAD 0.00001; TOPMed 0.00001.
gnomAD v4.1: 3 of 1,614,062 alleles (0.00019%); highest among the groups gnomAD compares: African/African-American, 0.004%; no homozygotes.

Submissions (2):

Labcorp Genetics (formerly Invitae), Labcorp
Classification: Uncertain significance for Arginine:glycine amidinotransferase deficiency. Last evaluated: 2025-09-27. Review status: criteria provided, single submitter. Criteria: Invitae Variant Classification Sherloc (09022015). Collection method: clinical testing. Allele origin: germline.
Comment: This sequence change replaces valine, which is neutral and non-polar, with leucine, which is neutral and non-polar, at codon 78 of the GATM protein (p.Val78Leu). This variant is not present in population databases (gnomAD no frequency). This variant has not been reported in the literature in individuals affected with GATM-related conditions. ClinVar contains an entry for this variant (Variation ID: 2082161). Invitae Evidence Modeling of protein sequence and biophysical properties (such as structural, functional, and spatial information, amino acid conservation, physicochemical variation, residue mobility, and thermodynamic stability) indicates that this missense variant is expected to disrupt GATM protein function with a positive predictive value of 95%. In summary, the available evidence is currently insufficient to determine the role of this variant in disease. Therefore, it has been classified as a Variant of Uncertain Significance.

Fulgent Genetics
Classification: Uncertain significance for Fanconi renotubular syndrome 1; Arginine:glycine amidinotransferase deficiency. Last evaluated: 2024-01-11. Review status: criteria provided, single submitter. Criteria: ACMG Guidelines, 2015. Collection method: clinical testing. Allele origin: germline.